The following is an entry in ClinVar:

NM_032119.4(ADGRV1):c.3102C>A (p.Cys1034Ter)

Gene: ADGRV1 (adhesion G protein-coupled receptor V1; plus strand). Cytogenetic location: 5q14.3.
Variant type: single nucleotide variant.
Coding change: c.3102C>A on transcript NM_032119.4 (MANE Select); coding-DNA position 3102, C replaced by A.
Protein change: p.Cys1034Ter; replaces cysteine 1034 with a stop codon.
Molecular consequence: nonsense. On other transcripts: non-coding transcript variant (1).
Genome position (GRCh38, 1-based): chr5:90,647,577, C>A. VCF-style: chr5-90647577-C-A. GRCh37 (hg19) VCF-style: chr5-89943394-C-A.
Other names: short protein forms C1034*.
Identifiers: ClinVar variation 2843409 (VCV002843409.3), dbSNP rs2532029941, ClinGen allele CA360393283.

ClinVar aggregate classification (germline): Pathogenic (1 of 4 stars; one submission).

Submission:

Labcorp Genetics (formerly Invitae), Labcorp
Classification: Pathogenic. Last evaluated: 2023-03-07. Review status: criteria provided, single submitter. Criteria: Invitae Variant Classification Sherloc (09022015). Collection method: clinical testing. Allele origin: germline.
Comment: This sequence change creates a premature translational stop signal (p.Cys1034*) in the ADGRV1 gene. It is expected to result in an absent or disrupted protein product. Loss-of-function variants in ADGRV1 are known to be pathogenic (PMID: 19357117, 22135276, 22147658, 26226137, 30718709, 31047384, 32467589). This variant is not present in population databases (gnomAD no frequency). This variant has not been reported in the literature in individuals affected with ADGRV1-related conditions. For these reasons, this variant has been classified as Pathogenic.

Literature cited by the submitters: PubMed 19357117; PubMed 22135276; PubMed 22147658; PubMed 26226137; PubMed 30718709; PubMed 31047384; PubMed 32467589.